The following is an entry in ClinVar:

ClinVar aggregate classification (germline): Likely benign. Review status: criteria provided, single submitter (1 of 4 stars). 2 submissions from 2 submitters: Likely benign (1). 1 of the submissions does not count toward it. Last evaluated 2023-11-17.

Conditions:
RYR1-related disorder. Also called: RYR1-related condition; RYR1-related disorders. Identifiers: MedGen CN239331.

gnomAD v4.1: 1 of 1,405,740 alleles (0.000071%); highest among the groups gnomAD compares: Non-Finnish European, 0.000092%; no homozygotes.

Submissions (2):

Labcorp Genetics (formerly Invitae), Labcorp
Classification: Likely benign for RYR1-related disorder. Last evaluated: 2023-11-17. Review status: criteria provided, single submitter. Criteria: Invitae Variant Classification Sherloc (09022015). Collection method: clinical testing. Allele origin: germline.

PreventionGenetics, part of Exact Sciences
Classification: Likely benign for RYR1-related condition. Last evaluated: 2023-10-19. Review status: no assertion criteria provided. Collection method: clinical testing. Allele origin: germline. Not counted in ClinVar's aggregate classification.
Comment: This variant is classified as likely benign based on ACMG/AMP sequence variant interpretation guidelines (Richards et al. 2015 PMID: 25741868, with internal and published modifications).

NM_000540.3(RYR1):c.13290G>A (p.Gly4430=)

Genes: RYR1 (ryanodine receptor 1; plus strand), LOC130064357 (ATAC-STARR-seq lymphoblastoid silent region 10577; plus strand). Cytogenetic location: 19q13.2.
Variant type: single nucleotide variant.
Coding change: c.13290G>A on transcript NM_000540.3 (MANE Select); coding-DNA position 13290, G replaced by A.
Protein change: p.Gly4430=; no amino-acid change (glycine 4430 retained).
Molecular consequence: synonymous variant.
Genome position (GRCh38, 1-based): chr19:38,565,624, G>A. VCF-style: chr19-38565624-G-A. GRCh37 (hg19) VCF-style: chr19-39056264-G-A.
Other names: c.13275G>A, p.Gly4425= (NM_001042723.2); c.13290G>A (NM_000540.2).
Identifiers: ClinVar variation 1094320 (VCV001094320.11), dbSNP rs527530809, ClinGen allele CA507355918.
Genomic context (GRCh38, chr19:38,565,624, plus strand): 5'-GGGCGCTGGAGACGCCGCGGAGGGCGCTGGAGACGAGGAGGAGGCGGTGCACGAGGCCGG[G>A]CCGGGCGGTGCCGACGGGGCGGTGGCCGTGACCGATGGGGGCCCCTTCCGGCCCGAAGGG-3'
Protein context (NP_000531.2, residues 4420-4440): GDEEEAVHEA[Gly4430=]PGGADGAVAV